The following is an entry in ClinVar:

NM_032444.4(SLX4):c.629T>C (p.Leu210Pro)

Gene: SLX4 (SLX4 structure-specific endonuclease subunit; minus strand). Cytogenetic location: 16p13.3.
Variant type: single nucleotide variant.
Coding change: c.629T>C on transcript NM_032444.4 (MANE Select); coding-DNA position 629, T replaced by C.
Protein change: p.Leu210Pro; replaces leucine 210 with proline.
Molecular consequence: missense variant.
Genome position (GRCh38, 1-based): chr16:3,606,605, A>G on the plus strand (T>C on the coding strand, the complement: SLX4 is on the minus strand). VCF-style: chr16-3606605-A-G. GRCh37 (hg19) VCF-style: chr16-3656606-A-G.
Other names: c.629T>C (LRG_503t1); short protein forms L210P.
Identifiers: ClinVar variation 640167 (VCV000640167.8), dbSNP rs957576825, ClinGen allele CA394533362.

ClinVar aggregate classification (germline): Uncertain significance (1 of 4 stars; one submission).

Conditions:
Fanconi anemia (FA). Also called: Fanconi's anemia. Identifiers: Orphanet 84, MedGen C0015625, MeSH D005199, MONDO:0019391.

gnomAD v4.1: 4 of 1,614,228 alleles (0.00025%); highest among the groups gnomAD compares: East Asian, 0.0089%; no homozygotes.

Submission:

Labcorp Genetics (formerly Invitae), Labcorp
Classification: Uncertain significance for Fanconi anemia. Last evaluated: 2018-11-01. Review status: criteria provided, single submitter. Criteria: Invitae Variant Classification Sherloc (09022015). Collection method: clinical testing. Allele origin: germline.
Comment: This sequence change replaces leucine with proline at codon 210 of the SLX4 protein (p.Leu210Pro). The leucine residue is weakly conserved and there is a moderate physicochemical difference between leucine and proline. This variant is not present in population databases (ExAC no frequency). This variant has not been reported in the literature in individuals with SLX4-related disease. Algorithms developed to predict the effect of missense changes on protein structure and function are either unavailable or do not agree on the potential impact of this missense change (SIFT: "Deleterious"; PolyPhen-2: "Probably Damaging"; Align-GVGD: "Class C0"). In summary, the available evidence is currently insufficient to determine the role of this variant in disease. Therefore, it has been classified as a Variant of Uncertain Significance.